The following is an entry in ClinVar:

ClinVar aggregate classification (germline): Uncertain significance. Review status: criteria provided, multiple submitters, no conflicts (2 of 4 stars). 2 submissions from 2 submitters: Uncertain significance (2). Last evaluated 2025-11-29.

Conditions:
Hereditary cancer-predisposing syndrome. Also called: Neoplastic Syndromes, Hereditary; Tumor predisposition; Hereditary Cancer Syndrome; Hereditary neoplastic syndrome. Identifiers: Orphanet 140162, MedGen C0027672, MeSH D009386, MONDO:0015356.

Submissions (2):

Women's Health and Genetics/Laboratory Corporation of America, LabCorp
Classification: Uncertain significance. Last evaluated: 2025-11-29. Review status: criteria provided, single submitter. Criteria: LabCorp Variant Classification Summary - May 2015. Collection method: clinical testing. Allele origin: germline.

Ambry Genetics
Classification: Uncertain significance for Hereditary cancer-predisposing syndrome. Last evaluated: 2024-04-30. Review status: criteria provided, single submitter. Criteria: Ambry Variant Classification Scheme 2023. Collection method: clinical testing. Allele origin: germline.
Comment: The p.E182Q variant (also known as c.544G>C), located in coding exon 6 of the BRCA2 gene, results from a G to C substitution at nucleotide position 544. The glutamic acid at codon 182 is replaced by glutamine, an amino acid with highly similar properties. This amino acid position is highly conserved in available vertebrate species. In addition, this alteration is predicted to be tolerated by in silico analysis. Based on the available evidence, the clinical significance of this variant remains unclear.

NM_000059.4(BRCA2):c.544G>C (p.Glu182Gln)

Gene: BRCA2 (BRCA2 DNA repair associated; plus strand). Cytogenetic location: 13q13.1.
Variant type: single nucleotide variant.
Coding change: c.544G>C on transcript NM_000059.4 (MANE Select); coding-DNA position 544, G replaced by C.
Protein change: p.Glu182Gln; replaces glutamic acid 182 with glutamine.
Molecular consequence: missense variant.
Genome position (GRCh38, 1-based): chr13:32,326,526, G>C. VCF-style: chr13-32326526-G-C. GRCh37 (hg19) VCF-style: chr13-32900663-G-C.
Other names: short protein forms E182Q.
Identifiers: ClinVar variation 233419 (VCV000233419.7), dbSNP rs876660394, ClinGen allele CA10579463.
Genomic context (GRCh38, chr13:32,326,526, plus strand): 5'-CTATAAAAAATAAACTATTTTCTTTCCTCCCAGGGTCGTCAGACACCAAAACATATTTCT[G>C]AAAGTCTAGGAGCTGAGGTGGATCCTGATATGTCTTGGTCAAGTTCTTTAGCTACACCAC-3'
Protein context (NP_000050.3, residues 172-192): KGRQTPKHIS[Glu182Gln]SLGAEVDPDM